The following is an entry in ClinVar:

NM_001042492.3(NF1):c.1329del (p.Phe443fs)

Gene: NF1 (neurofibromin 1; plus strand). Cytogenetic location: 17q11.2.
Variant type: Deletion.
Coding change: c.1329del on transcript NM_001042492.3 (MANE Select); coding-DNA position 1329, one base deleted (T; older notation c.1329delT).
Protein change: p.Phe443fs; shifts the reading frame from phenylalanine 443.
Molecular consequence: frameshift variant.
Genome position (GRCh38, 1-based): chr17:31,206,308, T deleted; the last of 3 consecutive T bases (chr17:31,206,306-31,206,308); deleting any one gives the same sequence. VCF-style (leftmost placement, unchanged base first): chr17-31206305-GT-G. GRCh37 (hg19) VCF-style: chr17-29533323-GT-G.
Other names: c.1329delT, p.Phe443Leufs (NM_000267.4); c.1329del, p.Phe443fs (NM_001128147.3); short protein forms F443fs.
Identifiers: ClinVar variation 3252791 (VCV003252791.3), dbSNP rs2544811145.

ClinVar aggregate classification (germline): Pathogenic. Review status: criteria provided, multiple submitters, no conflicts (2 of 4 stars). 2 submissions from 2 submitters: Pathogenic (2). Last evaluated 2024-12-24.

Conditions:
Neurofibromatosis, type 1 (NF1). Also called: VON RECKLINGHAUSEN DISEASE; Neurofibromatosis, type I; Peripheral type neurofibromatosis; NEUROFIBROMATOSIS, TYPE I, SOMATIC. Identifiers: Orphanet 636, MedGen C0027831, MONDO:0018975, OMIM 162200. Disease mechanism: loss of function.

Submissions (2):

Labcorp Genetics (formerly Invitae), Labcorp
Classification: Pathogenic for Neurofibromatosis, type 1. Last evaluated: 2024-12-24. Review status: criteria provided, single submitter. Criteria: Invitae Variant Classification Sherloc (09022015). Collection method: clinical testing. Allele origin: germline.
Comment: This sequence change creates a premature translational stop signal (p.Phe443Leufs*30) in the NF1 gene. It is expected to result in an absent or disrupted protein product. Loss-of-function variants in NF1 are known to be pathogenic (PMID: 10712197, 23913538). This variant is not present in population databases (gnomAD no frequency). This premature translational stop signal has been observed in individual(s) with neurofibromatosis 1 (PMID: 22190595, 31370276). ClinVar contains an entry for this variant (Variation ID: 3252791). For these reasons, this variant has been classified as Pathogenic.

GeneDx
Classification: Pathogenic. Last evaluated: 2023-11-16. Review status: criteria provided, single submitter. Criteria: GeneDx Variant Classification Process June 2021. Collection method: clinical testing. Allele origin: germline. Affected: yes.
Comment: Frameshift variant predicted to result in protein truncation or nonsense mediated decay in a gene for which loss of function is a known mechanism of disease; Not observed at significant frequency in large population cohorts (gnomAD); This variant is associated with the following publications: (PMID: 19417008, 28422438, 22190595, 31370276)

Literature cited by the submitters: PubMed 10712197 (cited by Labcorp Genetics (formerly Invitae), Labcorp); PubMed 23913538 (cited by Labcorp Genetics (formerly Invitae), Labcorp); PubMed 22190595 (cited by Labcorp Genetics (formerly Invitae), Labcorp); PubMed 31370276 (cited by Labcorp Genetics (formerly Invitae), Labcorp).